The following is an entry in ClinVar:

NM_001256864.2(DNAJC6):c.2689A>T (p.Met897Leu)

Gene: DNAJC6 (DnaJ heat shock protein family (Hsp40) member C6; plus strand). Cytogenetic location: 1p31.3.
Variant type: single nucleotide variant.
Coding change: c.2689A>T on transcript NM_001256864.2 (MANE Select); coding-DNA position 2689, A replaced by T.
Protein change: p.Met897Leu; replaces methionine 897 with leucine.
Molecular consequence: missense variant.
Genome position (GRCh38, 1-based): chr1:65,411,304, A>T. VCF-style: chr1-65411304-A-T. GRCh37 (hg19) VCF-style: chr1-65876987-A-T.
Other names: c.2479A>T, p.Met827Leu (NM_001256865.2); c.2518A>T, p.Met840Leu (NM_014787.4); short protein forms M840L, M897L, M827L.
Identifiers: ClinVar variation 2102131 (VCV002102131.4), dbSNP rs2525363130, ClinGen allele CA340717276.
Genomic context (GRCh38, chr1:65,411,304, plus strand): 5'-TTACAGATTCTGGAATGGATTGAAGGCAAAGAAAGAAATATCAGAGCCCTTCTTTCCACG[A>T]TGCATACCGTACTATGGGCTGGGGAGACCAAGTGGAAACCAGTTGGCATGGCAGACCTGG-3'
Protein context (NP_001243793.1, residues 887-907): ERNIRALLST[Met897Leu]HTVLWAGETK

ClinVar aggregate classification (germline): Uncertain significance (1 of 4 stars; one submission).

Conditions:
Juvenile onset Parkinson disease 19A. Also called: PARK19; DNAJC6 Parkinson Disease. Identifiers: Orphanet 391411, MedGen C3809811, MONDO:0014231, OMIM 615528.

Submission:

Labcorp Genetics (formerly Invitae), Labcorp
Classification: Uncertain significance for Juvenile onset Parkinson disease 19A. Last evaluated: 2022-04-10. Review status: criteria provided, single submitter. Criteria: Invitae Variant Classification Sherloc (09022015). Collection method: clinical testing. Allele origin: germline.
Comment: This sequence change replaces methionine, which is neutral and non-polar, with leucine, which is neutral and non-polar, at codon 897 of the DNAJC6 protein (p.Met897Leu). In summary, the available evidence is currently insufficient to determine the role of this variant in disease. Therefore, it has been classified as a Variant of Uncertain Significance. Algorithms developed to predict the effect of missense changes on protein structure and function are either unavailable or do not agree on the potential impact of this missense change (SIFT: "Deleterious"; PolyPhen-2: "Probably Damaging"; Align-GVGD: "Class C0"). This variant has not been reported in the literature in individuals affected with DNAJC6-related conditions. This variant is not present in population databases (gnomAD no frequency).